The following is an entry in ClinVar:

ClinVar aggregate classification (germline): Pathogenic/Likely pathogenic. Review status: criteria provided, multiple submitters, no conflicts (2 of 4 stars). 2 submissions from 2 submitters: Pathogenic (1); Likely pathogenic (1). Last evaluated 2023-05-31.

Conditions:
PUS1-related disorder. Also called: PUS1-related condition.

Submissions (2):

Labcorp Genetics (formerly Invitae), Labcorp
Classification: Pathogenic. Last evaluated: 2023-05-31. Review status: criteria provided, single submitter. Criteria: Invitae Variant Classification Sherloc (09022015). Collection method: clinical testing. Allele origin: germline.
Comment: This sequence change creates a premature translational stop signal (p.Ile178Serfs*13) in the PUS1 gene. It is expected to result in an absent or disrupted protein product. Loss-of-function variants in PUS1 are known to be pathogenic (PMID: 17056637, 19731322, 25058219, 26556812). This variant is not present in population databases (gnomAD no frequency). This variant has not been reported in the literature in individuals affected with PUS1-related conditions. ClinVar contains an entry for this variant (Variation ID: 957639). For these reasons, this variant has been classified as Pathogenic.

Blueprint Genetics
Classification: Likely pathogenic for PUS1-related disorders. Last evaluated: 2019-07-05. Review status: criteria provided, single submitter. Criteria: ACMG Guidelines, 2015. Collection method: clinical testing. Allele origin: germline. Affected: yes. Observed: 1 variant allele.

Literature cited by the submitters: PubMed 17056637 (cited by Labcorp Genetics (formerly Invitae), Labcorp); PubMed 19731322 (cited by Labcorp Genetics (formerly Invitae), Labcorp); PubMed 25058219 (cited by Labcorp Genetics (formerly Invitae), Labcorp); PubMed 26556812 (cited by Labcorp Genetics (formerly Invitae), Labcorp).

NM_025215.6(PUS1):c.531_532del (p.Ile178fs)

Gene: PUS1 (pseudouridine synthase 1; plus strand). Cytogenetic location: 12q24.33.
Variant type: Microsatellite.
Coding change: c.531_532del on transcript NM_025215.6 (MANE Select); coding-DNA positions 531 to 532, 2 bases deleted (CA; older notation c.531_532delCA).
Protein change: p.Ile178fs; shifts the reading frame from isoleucine 178.
Molecular consequence: frameshift variant.
Genome position (GRCh38, 1-based): chr12:131,939,262-131,939,263, CA deleted; deleting any 2 consecutive bases within chr12:131,939,260-131,939,263 gives the same sequence; the c. name uses the placement nearest the transcript's 3' end. VCF-style (leftmost placement, unchanged base first): chr12-131939259-TCA-T. GRCh37 (hg19) VCF-style: chr12-132423804-TCA-T.
Other names: c.447_448del, p.Ile150fs (NM_001002019.3, NM_001002020.3); short protein forms I150fs, I178fs.
Identifiers: ClinVar variation 957639 (VCV000957639.8), dbSNP rs768126003, ClinGen allele CA246186088.
Genomic context (GRCh38, chr12:131,939,259, plus strand): 5'-ATCCCTGAAGGTGTGGCTGATTGACGACATTCTAGAAAAGATCAACAGCCACCTTCCCTC[TCA>T]CATTCGGATTCTGGGTAAGCCTTGCAGTGCAGGCGGCCACACACCTGGTTGTAGATGGTC-3'